The following is an entry in ClinVar:

ClinVar aggregate classification (germline): Likely benign. Review status: criteria provided, multiple submitters, no conflicts (2 of 4 stars). 3 submissions from 3 submitters: Likely benign (2). 1 of the submissions does not count toward it. Last evaluated 2024-09-01.

Conditions:
SETD1B-related disorder. Also called: SETD1B-related condition.

Submissions (3):

CeGaT Center for Human Genetics Tuebingen
Classification: Likely benign. Last evaluated: 2024-09-01. Review status: criteria provided, single submitter. Criteria: CeGaT Center For Human Genetics Tuebingen Variant Classification Criteria Version 2. Collection method: clinical testing. Allele origin: germline. Affected: yes. Observed: 3 variant alleles.
Comment: SETD1B: BP4, BP7

Blueprint Genetics
Classification: Likely benign. Last evaluated: 2020-10-22. Review status: criteria provided, single submitter. Criteria: ACMG Guidelines, 2015. Collection method: clinical testing. Allele origin: germline.

PreventionGenetics, part of Exact Sciences
Classification: Likely benign for SETD1B-related condition. Last evaluated: 2019-03-25. Review status: no assertion criteria provided. Collection method: clinical testing. Allele origin: germline. Not counted in ClinVar's aggregate classification.
Comment: This variant is classified as likely benign based on ACMG/AMP sequence variant interpretation guidelines (Richards et al. 2015 PMID: 25741868, with internal and published modifications).

NM_001353345.2(SETD1B):c.4749A>C (p.Pro1583=)

Gene: SETD1B (SET domain containing 1B, histone lysine methyltransferase; plus strand). Cytogenetic location: 12q24.31.
Variant type: single nucleotide variant.
Coding change: c.4749A>C on transcript NM_001353345.2 (MANE Select); coding-DNA position 4749, A replaced by C.
Protein change: p.Pro1583=; no amino-acid change (proline 1583 retained).
Molecular consequence: synonymous variant.
Genome position (GRCh38, 1-based): chr12:121,823,328, A>C. VCF-style: chr12-121823328-A-C. GRCh37 (hg19) VCF-style: chr12-122261234-A-C.
Other names: NM_015048.1:c.4620A>C.
Identifiers: ClinVar variation 2672528 (VCV002672528.25), dbSNP rs1592988818, ClinGen allele CA482435440.